The following is an entry in ClinVar:

ClinVar aggregate classification (germline): Uncertain significance. Review status: criteria provided, multiple submitters, no conflicts (2 of 4 stars). 2 submissions from 2 submitters: Uncertain significance (2). Last evaluated 2026-07-06.

Conditions:
Hereditary cancer-predisposing syndrome. Also called: Tumor predisposition; Hereditary Cancer Syndrome; Hereditary neoplastic syndrome; Neoplastic Syndromes, Hereditary. Identifiers: Orphanet 140162, MedGen C0027672, MeSH D009386, MONDO:0015356.

Submissions (2):

Ambry Genetics
Classification: Uncertain significance for Hereditary cancer-predisposing syndrome. Last evaluated: 2026-07-06. Review status: criteria provided, single submitter. Criteria: Ambry Variant Classification Scheme 2023. Collection method: clinical testing. Allele origin: germline.
Comment: The p.D336H variant (also known as c.1006G>C), located in coding exon 7 of the BRIP1 gene, results from a G to C substitution at nucleotide position 1006. The aspartic acid at codon 336 is replaced by histidine, an amino acid with similar properties. This amino acid position is conserved. In addition, this alteration is predicted to be deleterious by in silico analysis. Based on the available evidence, the clinical significance of this variant remains unclear.

GeneDx
Classification: Uncertain significance. Last evaluated: 2024-03-20. Review status: criteria provided, single submitter. Criteria: GeneDx Variant Classification Process June 2021. Collection method: clinical testing. Allele origin: germline. Affected: yes.
Comment: Not observed at significant frequency in large population cohorts (gnomAD); In silico analysis supports that this missense variant has a deleterious effect on protein structure/function; Has not been previously published as pathogenic or benign to our knowledge

NM_032043.3(BRIP1):c.1006G>C (p.Asp336His)

Gene: BRIP1 (BRCA1 interacting DNA helicase 1; minus strand). Cytogenetic location: 17q23.2.
Variant type: single nucleotide variant.
Coding change: c.1006G>C on transcript NM_032043.3 (MANE Select); coding-DNA position 1006, G replaced by C.
Protein change: p.Asp336His; replaces aspartic acid 336 with histidine.
Molecular consequence: missense variant.
Genome position (GRCh38, 1-based): chr17:61,801,387, C>G on the plus strand (G>C on the coding strand, the complement: BRIP1 is on the minus strand). VCF-style: chr17-61801387-C-G. GRCh37 (hg19) VCF-style: chr17-59878748-C-G.
Other names: short protein forms D336H.
Identifiers: ClinVar variation 3371286 (VCV003371286.2).
Genomic context (GRCh38, chr17:61,801,387, plus strand): 5'-GGGCTGTGTAATATGGACAGGCCTTTAGTTTCTTCCCCAGGCTGACAAGTTCTTCTATAT[C>G]CCAGGCTTTGCACATCCCTTGGAAAGTCTGTAATGTGTGCTGATCACTAATTTTATGAAC-3'
Protein context (NP_114432.2, residues 326-346): QTFQGMCKAW[Asp336His]IEELVSLGKK